The following is an entry in ClinVar:

NM_198253.3(TERT):c.3212A>G (p.Gln1071Arg)

Gene: TERT (telomerase reverse transcriptase; minus strand). Cytogenetic location: 5p15.33.
Variant type: single nucleotide variant.
Coding change: c.3212A>G on transcript NM_198253.3 (MANE Select); coding-DNA position 3212, A replaced by G.
Protein change: p.Gln1071Arg; replaces glutamine 1071 with arginine.
Molecular consequence: missense variant. On other transcripts: non-coding transcript variant (2).
Genome position (GRCh38, 1-based): chr5:1,254,451, T>C on the plus strand (A>G on the coding strand, the complement: TERT is on the minus strand). VCF-style: chr5-1254451-T-C. GRCh37 (hg19) VCF-style: chr5-1254566-T-C.
Other names: c.3023A>G, p.Gln1008Arg (NM_001193376.3); c.3212A>G, p.Gln1071Arg (NM_003219.1); short protein forms Q1008R, Q1071R.
Identifiers: ClinVar variation 2941386 (VCV002941386.4), dbSNP rs1437804875, ClinGen allele CA359067402.

ClinVar aggregate classification (germline): Conflicting classifications of pathogenicity. Review status: criteria provided, conflicting classifications (1 of 4 stars). 2 submissions from 2 submitters: Uncertain significance (1); Likely benign (1). Last evaluated 2024-01-14.

Conditions:
Idiopathic Pulmonary Fibrosis. Also called: Idiopathic fibrosing alveolitis, chronic form; idiopathic fibrosing alveolitis. Identifiers: Orphanet 2032, MedGen C1800706, MeSH D054990, MONDO:0800504.
Dyskeratosis congenita, autosomal dominant 2. Identifiers: MedGen C3151443, MONDO:0013521, OMIM 613989.
Dyskeratosis congenita. Identifiers: Orphanet 1775, MedGen C0265965, MONDO:0015780.

Allele frequency attached by ClinVar (database versions not stated): TOPMed below 0.00001.

Submissions (2):

Ambry Genetics
Classification: Likely benign for Dyskeratosis congenita. Last evaluated: 2024-01-14. Review status: criteria provided, single submitter. Criteria: Ambry Variant Classification Scheme 2023. Collection method: clinical testing. Allele origin: germline.

Labcorp Genetics (formerly Invitae), Labcorp
Classification: Uncertain significance for Dyskeratosis congenita, autosomal dominant 2; Idiopathic Pulmonary Fibrosis. Last evaluated: 2022-11-07. Review status: criteria provided, single submitter. Criteria: Invitae Variant Classification Sherloc (09022015). Collection method: clinical testing. Allele origin: germline.
Comment: In summary, the available evidence is currently insufficient to determine the role of this variant in disease. Therefore, it has been classified as a Variant of Uncertain Significance. Advanced modeling of protein sequence and biophysical properties (such as structural, functional, and spatial information, amino acid conservation, physicochemical variation, residue mobility, and thermodynamic stability) performed at Invitae indicates that this missense variant is not expected to disrupt TERT protein function. This variant has not been reported in the literature in individuals affected with TERT-related conditions. This variant is not present in population databases (gnomAD no frequency). This sequence change replaces glutamine, which is neutral and polar, with arginine, which is basic and polar, at codon 1071 of the TERT protein (p.Gln1071Arg).